The following is an entry in ClinVar:

ClinVar aggregate classification (germline): Uncertain significance (1 of 4 stars; one submission).

Allele frequency attached by ClinVar (database versions not stated): TOPMed below 0.00001.
gnomAD v4.1: 8 of 1,545,318 alleles (0.00052%); highest among the groups gnomAD compares: Non-Finnish European, 0.0007%; no homozygotes.

Submission:

Labcorp Genetics (formerly Invitae), Labcorp
Classification: Uncertain significance. Last evaluated: 2022-08-09. Review status: criteria provided, single submitter. Criteria: Invitae Variant Classification Sherloc (09022015). Collection method: clinical testing. Allele origin: germline.
Comment: In summary, the available evidence is currently insufficient to determine the role of this variant in disease. Therefore, it has been classified as a Variant of Uncertain Significance. Algorithms developed to predict the effect of missense changes on protein structure and function output the following: SIFT: "Not Available"; PolyPhen-2: "Benign"; Align-GVGD: "Not Available". The valine amino acid residue is found in multiple mammalian species, which suggests that this missense change does not adversely affect protein function. ClinVar contains an entry for this variant (Variation ID: 1437954). This variant has not been reported in the literature in individuals affected with MYO18B-related conditions. This variant is not present in population databases (gnomAD no frequency). This sequence change replaces alanine, which is neutral and non-polar, with valine, which is neutral and non-polar, at codon 210 of the MYO18B protein (p.Ala210Val).

NM_032608.7(MYO18B):c.629C>T (p.Ala210Val)

Gene: MYO18B (myosin XVIIIB; plus strand). Cytogenetic location: 22q12.1.
Variant type: single nucleotide variant.
Coding change: c.629C>T on transcript NM_032608.7 (MANE Select); coding-DNA position 629, C replaced by T.
Protein change: p.Ala210Val; replaces alanine 210 with valine.
Molecular consequence: missense variant.
Genome position (GRCh38, 1-based): chr22:25,768,545, C>T. VCF-style: chr22-25768545-C-T. GRCh37 (hg19) VCF-style: chr22-26164512-C-T.
Other names: c.629C>T, p.Ala210Val (NM_001318245.2); short protein forms A210V.
Identifiers: ClinVar variation 1437954 (VCV001437954.8), dbSNP rs2086593988, ClinGen allele CA411002828.